The following is an entry in ClinVar:

NM_017654.4(SAMD9):c.3482G>A (p.Ser1161Asn)

Gene: SAMD9 (sterile alpha motif domain containing 9; minus strand). Cytogenetic location: 7q21.2.
Variant type: single nucleotide variant.
Coding change: c.3482G>A on transcript NM_017654.4 (MANE Select); coding-DNA position 3482, G replaced by A.
Protein change: p.Ser1161Asn; replaces serine 1161 with asparagine.
Molecular consequence: missense variant.
Genome position (GRCh38, 1-based): chr7:93,102,616, C>T on the plus strand (G>A on the coding strand, the complement: SAMD9 is on the minus strand). VCF-style: chr7-93102616-C-T. GRCh37 (hg19) VCF-style: chr7-92731929-C-T.
Other names: c.3482G>A, p.Ser1161Asn (NM_001193307.2); short protein forms S1161N.
Identifiers: ClinVar variation 1485252 (VCV001485252.8), dbSNP rs1791553402, ClinGen allele CA368184795.

ClinVar aggregate classification (germline): Uncertain significance (1 of 4 stars; one submission).

Allele frequency attached by ClinVar (database versions not stated): gnomAD exomes below 0.00001.
gnomAD v4.1: 1 of 1,613,822 alleles (0.000062%); highest among the groups gnomAD compares: South Asian, 0.0011%; no homozygotes.

Submission:

Labcorp Genetics (formerly Invitae), Labcorp
Classification: Uncertain significance. Last evaluated: 2021-01-04. Review status: criteria provided, single submitter. Criteria: Invitae Variant Classification Sherloc (09022015). Collection method: clinical testing. Allele origin: germline.
Comment: Algorithms developed to predict the effect of missense changes on protein structure and function output the following: SIFT: "Tolerated"; PolyPhen-2: "Benign"; Align-GVGD: "Class C0". The asparagine amino acid residue is found in multiple mammalian species, suggesting that this missense change does not adversely affect protein function. These predictions have not been confirmed by published functional studies and their clinical significance is uncertain. In summary, the available evidence is currently insufficient to determine the role of this variant in disease. Therefore, it has been classified as a Variant of Uncertain Significance. This variant has not been reported in the literature in individuals with SAMD9-related conditions. This variant is not present in population databases (ExAC no frequency). This sequence change replaces serine with asparagine at codon 1161 of the SAMD9 protein (p.Ser1161Asn). The serine residue is weakly conserved and there is a small physicochemical difference between serine and asparagine.